The following is an entry in ClinVar:

NM_001267550.2(TTN):c.107620A>C (p.Ile35874Leu)

Genes: TTN (titin; minus strand), TTN-AS1 (TTN antisense RNA 1; plus strand). Cytogenetic location: 2q31.2.
Variant type: single nucleotide variant.
Coding change: c.107620A>C on transcript NM_001267550.2 (MANE Select); coding-DNA position 107620, A replaced by C.
Protein change: p.Ile35874Leu; replaces isoleucine 35874 with leucine.
Molecular consequence: missense variant.
Genome position (GRCh38, 1-based): chr2:178,527,506, T>G on the plus strand (A>C on the coding strand, the complement: TTN is on the minus strand). VCF-style: chr2-178527506-T-G. GRCh37 (hg19) VCF-style: chr2-179392233-T-G.
Other names: c.102697A>C, p.Ile34233Leu (NM_001256850.1); c.80425A>C, p.Ile26809Leu (NM_003319.4); c.99916A>C, p.Ile33306Leu (NM_133378.4); c.80800A>C, p.Ile26934Leu (NM_133432.3); c.81001A>C, p.Ile27001Leu (NM_133437.4); short protein forms I26809L, I33306L, I34233L, I35874L, I26934L, I27001L.
Identifiers: ClinVar variation 942642 (VCV000942642.9), dbSNP rs1210579565, ClinGen allele CA349399922.

ClinVar aggregate classification (germline): Uncertain significance (1 of 4 stars; one submission).

Conditions:
Dilated cardiomyopathy 1G (CMD1G). Identifiers: Orphanet 154, MedGen C1858763, MONDO:0011400, OMIM 604145.
Autosomal recessive limb-girdle muscular dystrophy type 2J (LGMDR10). Also called: Limb-girdle muscular dystrophy, type 2J; MUSCULAR DYSTROPHY, LIMB-GIRDLE, AUTOSOMAL RECESSIVE 10. Identifiers: Orphanet 140922, MedGen C1837342, MONDO:0012127, OMIM 608807.

Allele frequency attached by ClinVar (database versions not stated): TOPMed below 0.00001; gnomAD 0.00001.
gnomAD v4.1: 1 of 1,613,930 alleles (0.000062%); highest among the groups gnomAD compares: Admixed American, 0.0017%; no homozygotes.

Submission:

Labcorp Genetics (formerly Invitae), Labcorp
Classification: Uncertain significance for Dilated cardiomyopathy 1G; Autosomal recessive limb-girdle muscular dystrophy type 2J. Last evaluated: 2022-10-07. Review status: criteria provided, single submitter. Criteria: Invitae Variant Classification Sherloc (09022015). Collection method: clinical testing. Allele origin: germline.
Comment: In summary, the available evidence is currently insufficient to determine the role of this variant in disease. Therefore, it has been classified as a Variant of Uncertain Significance. This variant is located in the M band of TTN (PMID: 25589632). Variants in this region may be relevant for neuromuscular disorders, but have not been definitively shown to cause cardiomyopathy (PMID: 23975875). Experimental studies and prediction algorithms are not available or were not evaluated, and the functional significance of this variant is currently unknown. ClinVar contains an entry for this variant (Variation ID: 942642). This missense change has been observed in individual(s) with clinical features of autosomal recessive TTN-related conditions (Invitae). In at least one individual the data is consistent with being in trans (on the opposite chromosome) from a pathogenic variant. This variant is not present in population databases (gnomAD no frequency). This sequence change replaces isoleucine, which is neutral and non-polar, with leucine, which is neutral and non-polar, at codon 35874 of the TTN protein (p.Ile35874Leu).

Literature cited by the submitters: PubMed 25589632; PubMed 23975875.